The following is an entry in ClinVar:

NM_000548.5(TSC2):c.16dup (p.Ser6fs)

Gene: TSC2 (TSC complex subunit 2; plus strand). Cytogenetic location: 16p13.3.
Variant type: Duplication.
Coding change: c.16dup on transcript NM_000548.5 (MANE Select); coding-DNA position 16, one base duplicated (A; older notation c.16dupA).
Protein change: p.Ser6fs; shifts the reading frame from serine 6.
Molecular consequence: frameshift variant. On other transcripts: 5 prime UTR variant (1), intron variant (1).
Genome position (GRCh38, 1-based): chr16:2,048,631, A duplicated; the last of 2 consecutive A bases (chr16:2,048,630-2,048,631); duplicating either gives the same sequence. VCF-style (leftmost placement, unchanged base first): chr16-2048629-C-CA. GRCh37 (hg19) VCF-style: chr16-2098630-C-CA.
Other names: c.16dup, p.Ser6fs (NM_001077183.3, NM_001114382.3, NM_001318827.2 and 4 more transcripts); c.-211dup (NM_001318831.2); c.49dup, p.Ser17fs (NM_001318832.2); c.-10+566dup (NM_001318829.2); short protein forms S17fs, S6fs.
Identifiers: ClinVar variation 1352877 (VCV001352877.6), dbSNP rs2150970014, ClinGen allele CA2573151833.

ClinVar aggregate classification (germline): Pathogenic (1 of 4 stars; one submission).

Conditions:
Tuberous sclerosis 2 (TSC2). Identifiers: Orphanet 805, MedGen C1860707, MONDO:0013199, OMIM 613254.

Submission:

Labcorp Genetics (formerly Invitae), Labcorp
Classification: Pathogenic for Tuberous sclerosis 2. Last evaluated: 2021-02-01. Review status: criteria provided, single submitter. Criteria: Invitae Variant Classification Sherloc (09022015). Collection method: clinical testing. Allele origin: germline.
Comment: This sequence change creates a premature translational stop signal (p.Ser6Lysfs*11) in the TSC2 gene. It is expected to result in an absent or disrupted protein product. Loss-of-function variants in TSC2 are known to be pathogenic (PMID: 10205261, 17304050). This variant is not present in population databases (ExAC no frequency). This variant has not been reported in the literature in individuals with TSC2-related conditions. For these reasons, this variant has been classified as Pathogenic.

Literature cited by the submitters: PubMed 10205261; PubMed 17304050.